The following is an entry in ClinVar:

NM_024928.5(STN1):c.876T>C (p.Tyr292=)

Gene: STN1 (STN1 subunit of CST complex; minus strand). Cytogenetic location: 10q24.33.
Variant type: single nucleotide variant.
Coding change: c.876T>C on transcript NM_024928.5 (MANE Select); coding-DNA position 876, T replaced by C.
Protein change: p.Tyr292=; no amino-acid change (tyrosine 292 retained).
Molecular consequence: synonymous variant.
Genome position (GRCh38, 1-based): chr10:103,892,130, A>G on the plus strand (T>C on the coding strand, the complement: STN1 is on the minus strand). VCF-style: chr10-103892130-A-G. GRCh37 (hg19) VCF-style: chr10-105651888-A-G.
Identifiers: ClinVar variation 4780932 (VCV004780932.1).

ClinVar aggregate classification (germline): Uncertain significance (1 of 4 stars; one submission).

gnomAD v4.1: 1 of 1,597,034 alleles (0.000063%); highest among the groups gnomAD compares: Non-Finnish European, 0.000085%; no homozygotes.

Submission:

Labcorp Genetics (formerly Invitae), Labcorp
Classification: Uncertain significance. Last evaluated: 2025-03-12. Review status: criteria provided, single submitter. Criteria: Invitae Variant Classification Sherloc (09022015). Collection method: clinical testing. Allele origin: germline.
Comment: This sequence change affects codon 292 of the STN1 mRNA. It is a 'silent' change, meaning that it does not change the encoded amino acid sequence of the STN1 protein. It affects a nucleotide within the consensus splice site. This variant is not present in population databases (gnomAD no frequency). This variant has not been reported in the literature in individuals affected with STN1-related conditions. Algorithms developed to predict the effect of sequence changes on RNA splicing suggest that this variant is not likely to affect RNA splicing. In summary, the available evidence is currently insufficient to determine the role of this variant in disease. Therefore, it has been classified as a Variant of Uncertain Significance.